The following is an entry in ClinVar:

NM_139076.3(ABRAXAS1):c.508A>C (p.Asn170His)

Gene: ABRAXAS1 (abraxas 1, BRCA1 A complex subunit; minus strand). Cytogenetic location: 4q21.23.
Variant type: single nucleotide variant.
Coding change: c.508A>C on transcript NM_139076.3 (MANE Select); coding-DNA position 508, A replaced by C.
Protein change: p.Asn170His; replaces asparagine 170 with histidine.
Molecular consequence: missense variant.
Genome position (GRCh38, 1-based): chr4:83,469,120, T>G on the plus strand (A>C on the coding strand, the complement: ABRAXAS1 is on the minus strand). VCF-style: chr4-83469120-T-G. GRCh37 (hg19) VCF-style: chr4-84390273-T-G.
Other names: c.181A>C, p.Asn61His (NM_001345962.2); short protein forms N170H, N61H.
Identifiers: ClinVar variation 4853018 (VCV004853018.1).

ClinVar aggregate classification (germline): Uncertain significance (1 of 4 stars; one submission).

gnomAD v4.1: 6 of 1,613,942 alleles (0.00037%); highest among the groups gnomAD compares: Non-Finnish European, 0.00051%; no homozygotes.

Submission:

Women's Health and Genetics/Laboratory Corporation of America, LabCorp
Classification: Uncertain significance. Last evaluated: 2026-05-18. Review status: criteria provided, single submitter. Criteria: LabCorp Variant Classification Summary - May 2015. Collection method: clinical testing. Allele origin: germline.
Comment: Variant summary: FAM175A c.508A>C (p.Asn170His) results in a conservative amino acid change in the encoded protein sequence. Algorithms developed to predict the effect of missense changes on protein structure and function are either unavailable or do not agree on the potential impact of this missense change. The variant allele was found at a frequency of 1.2e-05 in 251408 control chromosomes. The available data on variant occurrences in the general population are insufficient to allow any conclusion about variant significance. To our knowledge, no occurrence of c.508A>C in individuals affected with FAM175A-related conditions and no experimental evidence demonstrating its impact on protein function have been reported. No submitters have cited clinical-significance assessments for this variant to ClinVar. Based on the evidence outlined above, the variant was classified as uncertain significance.